The following is an entry in ClinVar:

NM_014991.6(WDFY3):c.8605C>A (p.Gln2869Lys)

Gene: WDFY3 (WD repeat and FYVE domain containing 3; minus strand). Cytogenetic location: 4q21.23.
Variant type: single nucleotide variant.
Coding change: c.8605C>A on transcript NM_014991.6 (MANE Select); coding-DNA position 8605, C replaced by A.
Protein change: p.Gln2869Lys; replaces glutamine 2869 with lysine.
Molecular consequence: missense variant.
Genome position (GRCh38, 1-based): chr4:84,696,815, G>T on the plus strand (C>A on the coding strand, the complement: WDFY3 is on the minus strand). VCF-style: chr4-84696815-G-T. GRCh37 (hg19) VCF-style: chr4-85617968-G-T.
Other names: short protein forms Q2869K.
Identifiers: ClinVar variation 3602851 (VCV003602851.1).
Genomic context (GRCh38, chr4:84,696,815, plus strand): 5'-CTCGTGGGTCCCCTTTTGCCCAGGGTGGAAGGATAACATCTCCAAGCTTGGTGCCATTTT[G>T]TTTACAGCCTATGCAATTGGATACATTAAAAATAAAAAAAAAGAAAGAATGGGATAAATG-3'
Protein context (NP_055806.2, residues 2859-2879): NSNNFDLGCK[Gln2869Lys]NGTKLGDVIL

ClinVar aggregate classification (germline): Uncertain significance (1 of 4 stars; one submission).

Submission:

GeneDx
Classification: Uncertain significance. Last evaluated: 2024-08-08. Review status: criteria provided, single submitter. Criteria: GeneDx Variant Classification Process June 2021. Collection method: clinical testing. Allele origin: germline. Affected: yes.
Comment: Not observed at significant frequency in large population cohorts (gnomAD); In silico analysis supports that this missense variant has a deleterious effect on protein structure/function; Has not been previously published as pathogenic or benign to our knowledge